The following is an entry in ClinVar:

ClinVar aggregate classification (germline): Likely benign (1 of 4 stars; one submission).

Allele frequency attached by ClinVar (database versions not stated): gnomAD exomes 0.00001 and 0.00002; TOPMed 0.00001; ExAC 0.00002.
gnomAD v4.1: 7 of 1,613,814 alleles (0.00043%); highest among the groups gnomAD compares: Admixed American, 0.012%; no homozygotes.

Submission:

GeneDx
Classification: Likely benign. Last evaluated: 2018-03-21. Review status: criteria provided, single submitter. Criteria: GeneDx Variant Classification (06012015). Collection method: clinical testing. Allele origin: germline. Affected: yes.
Comment: This variant is considered likely benign or benign based on one or more of the following criteria: it is a conservative change, it occurs at a poorly conserved position in the protein, it is predicted to be benign by multiple in silico algorithms, and/or has population frequency not consistent with disease.

NM_001080779.2(MYO1C):c.628-3C>T

Gene: MYO1C (myosin IC; minus strand). Cytogenetic location: 17p13.3.
Variant type: single nucleotide variant.
Coding change: c.628-3C>T on transcript NM_001080779.2 (MANE Select); 3 bases into the intron before coding-DNA position 628, C replaced by T.
Molecular consequence: intron variant.
Genome position (GRCh38, 1-based): chr17:1,480,888, G>A on the plus strand (C>T on the coding strand, the complement: MYO1C is on the minus strand). VCF-style: chr17-1480888-G-A. GRCh37 (hg19) VCF-style: chr17-1384182-G-A.
Other names: c.523-3C>T (NM_033375.5); c.571-3C>T (NM_001080950.2); c.556-3C>T (NM_001363855.1).
Identifiers: ClinVar variation 680393 (VCV000680393.1), dbSNP rs754963919, ClinGen allele CA8267898.